The following is an entry in ClinVar:

ClinVar aggregate classification (germline): Uncertain significance. Review status: criteria provided, multiple submitters, no conflicts (2 of 4 stars). 4 submissions from 4 submitters: Uncertain significance (4). Last evaluated 2025-01-08.

Conditions:
Autosomal dominant Parkinson disease 8. Also called: LRRK2-Related Parkinson Disease; Parkinson disease 8; Parkinson disease 8, susceptibility to. Identifiers: Orphanet 411602, MedGen C1846862, MONDO:0011764, OMIM 607060.
Inborn genetic diseases. Identifiers: MedGen C0950123, MeSH D030342.

Allele frequency attached by ClinVar (database versions not stated): ExAC 0.00001; gnomAD exomes 0.00002.
gnomAD v4.1: 24 of 1,612,678 alleles (0.0015%); highest among the groups gnomAD compares: Admixed American, 0.0033%; no homozygotes.

Submissions (4):

Women's Health and Genetics/Laboratory Corporation of America, LabCorp
Classification: Uncertain significance. Last evaluated: 2025-01-08. Review status: criteria provided, single submitter. Criteria: LabCorp Variant Classification Summary - May 2015. Collection method: clinical testing. Allele origin: germline.
Comment: Variant summary: LRRK2 c.6242A>T (p.Asn2081Ile) results in a non-conservative amino acid change located in the protein kinase domain (IPR000719) of the encoded protein sequence. Four of five in-silico tools predict a damaging effect of the variant on protein function. The variant allele was found at a frequency of 1.2e-05 in 249696 control chromosomes. The available data on variant occurrences in the general population are insufficient to allow any conclusion about variant significance. To our knowledge, no occurrence of c.6242A>T in individuals affected with Autosomal dominant Parkinson disease 8 and no experimental evidence demonstrating its impact on protein function have been reported. ClinVar contains an entry for this variant (Variation ID: 1752392). Based on the evidence outlined above, the variant was classified as uncertain significance.

CeGaT Center for Human Genetics Tuebingen
Classification: Uncertain significance. Last evaluated: 2024-03-01. Review status: criteria provided, single submitter. Criteria: CeGaT Center For Human Genetics Tuebingen Variant Classification Criteria Version 2. Collection method: clinical testing. Allele origin: germline. Affected: yes. Observed: 1 variant allele.
Comment: LRRK2: PM2, BP4

Ambry Genetics
Classification: Uncertain significance for Inborn genetic diseases. Last evaluated: 2023-12-14. Review status: criteria provided, single submitter. Criteria: Ambry Variant Classification Scheme 2023. Collection method: clinical testing. Allele origin: germline.
Comment: The p.N2081I variant (also known as c.6242A>T), located in coding exon 42 of the LRRK2 gene, results from an A to T substitution at nucleotide position 6242. The asparagine at codon 2081 is replaced by isoleucine, an amino acid with dissimilar properties. This amino acid position is conserved. In addition, this alteration is predicted to be tolerated by in silico analysis. Since supporting evidence is limited at this time, the clinical significance of this alteration remains unclear.

Labcorp Genetics (formerly Invitae), Labcorp
Classification: Uncertain significance for Autosomal dominant Parkinson disease 8. Last evaluated: 2023-06-20. Review status: criteria provided, single submitter. Criteria: Invitae Variant Classification Sherloc (09022015). Collection method: clinical testing. Allele origin: germline.
Comment: This variant is present in population databases (rs200754183, gnomAD 0.003%). This variant has not been reported in the literature in individuals affected with LRRK2-related conditions. ClinVar contains an entry for this variant (Variation ID: 1752392). Advanced modeling of protein sequence and biophysical properties (such as structural, functional, and spatial information, amino acid conservation, physicochemical variation, residue mobility, and thermodynamic stability) performed at Invitae indicates that this missense variant is not expected to disrupt LRRK2 protein function. In summary, the available evidence is currently insufficient to determine the role of this variant in disease. Therefore, it has been classified as a Variant of Uncertain Significance. This sequence change replaces asparagine, which is neutral and polar, with isoleucine, which is neutral and non-polar, at codon 2081 of the LRRK2 protein (p.Asn2081Ile).

NM_198578.4(LRRK2):c.6242A>T (p.Asn2081Ile)

Gene: LRRK2 (leucine rich repeat kinase 2; plus strand). Cytogenetic location: 12q12.
Variant type: single nucleotide variant.
Coding change: c.6242A>T on transcript NM_198578.4 (MANE Select); coding-DNA position 6242, A replaced by T.
Protein change: p.Asn2081Ile; replaces asparagine 2081 with isoleucine.
Molecular consequence: missense variant.
Genome position (GRCh38, 1-based): chr12:40,346,885, A>T. VCF-style: chr12-40346885-A-T. GRCh37 (hg19) VCF-style: chr12-40740687-A-T.
Other names: short protein forms N2081I.
Identifiers: ClinVar variation 1752392 (VCV001752392.27), dbSNP rs200754183, ClinGen allele CA6514630.